The following is an entry in ClinVar:

ClinVar aggregate classification (germline): Likely pathogenic (1 of 4 stars; one submission).

Conditions:
Hemochromatosis type 2A (HFE2A). Also called: Adult-Onset Hemochromatosis; HJV (HFE2)-Related Juvenile Hemochromatosis. Identifiers: Orphanet 79230, MedGen C1865614, MONDO:0011216, OMIM 602390.

Submission:

Natera, Inc.
Classification: Likely pathogenic for Hemochromatosis type 2A. Last evaluated: 2026-01-15. Review status: criteria provided, single submitter. Criteria: Natera Variant Classification Schema (03/2026). Collection method: clinical testing. Allele origin: germline.
Comment: The c.381_384del variant in HJV is a frameshift variant predicted to shift the reading frame beginning at codon 128 and leads to a stop codon 117 codons downstream. This variant is expected to result in nonsense mediated decay, truncation, or a dysfunctional protein product. This variant is rare in the general population with a frequency below the threshold expected for the associated phenotype(s). Given the available evidence, this variant is classified as Likely Pathogenic.

NM_213653.4(HJV):c.381_384del (p.Pro128fs)

Gene: HJV (hemojuvelin BMP co-receptor; minus strand). Cytogenetic location: 1q21.1.
Variant type: Deletion.
Coding change: c.381_384del on transcript NM_213653.4 (MANE Select); coding-DNA positions 381 to 384, 4 bases deleted (TCCC; older notation c.381_384delTCCC).
Protein change: p.Pro128fs; shifts the reading frame from proline 128.
Molecular consequence: frameshift variant. On other transcripts: intron variant (3).
Genome position (GRCh38, 1-based): chr1:146,019,448-146,019,451, GGGA deleted on the plus strand (TCCC on the coding strand, the reverse complement: HJV is on the minus strand); deleting any 4 consecutive bases within chr1:146,019,448-146,019,454 gives the same sequence; the c. name uses the placement nearest the transcript's 3' end. VCF-style (leftmost placement, unchanged base first): chr1-146019447-GGGGA-G. GRCh37 (hg19) VCF-style: chr1-145415558-CCCCT-C.
Other names: c.381_384del, p.Pro128fs (NM_001379352.1); c.42_45del, p.Pro15fs (NM_145277.5); c.-21-751_-21-748del (NM_213652.4); c.-22+247_-22+250del (NM_202004.4, NM_001316767.2); short protein forms P128fs, P15fs.
Identifiers: ClinVar variation 4817169 (VCV004817169.1).